The following is an entry in ClinVar:

ClinVar aggregate classification (germline): Uncertain significance (1 of 4 stars; one submission).

Submission:

CeGaT Center for Human Genetics Tuebingen
Classification: Uncertain significance. Last evaluated: 2025-11-01. Review status: criteria provided, single submitter. Criteria: CeGaT Center For Human Genetics Tuebingen Variant Classification Criteria Version 2. Collection method: clinical testing. Allele origin: germline. Affected: yes. Observed: 1 variant allele.
Comment: VLDLR: PM2

NM_003383.5(VLDLR):c.1061A>G (p.Glu354Gly)

Gene: VLDLR (very low density lipoprotein receptor; plus strand). Cytogenetic location: 9p24.2.
Variant type: single nucleotide variant.
Coding change: c.1061A>G on transcript NM_003383.5 (MANE Select); coding-DNA position 1061, A replaced by G.
Protein change: p.Glu354Gly; replaces glutamic acid 354 with glycine.
Molecular consequence: missense variant.
Genome position (GRCh38, 1-based): chr9:2,643,954, A>G. VCF-style: chr9-2643954-A-G. GRCh37 (hg19) VCF-style: chr9-2643954-A-G.
Other names: c.1061A>G, p.Glu354Gly (NM_001018056.3); c.938A>G, p.Glu313Gly (NM_001322225.2, NM_001322226.2); short protein forms E313G, E354G.
Identifiers: ClinVar variation 4534433 (VCV004534433.6).